The following is an entry in ClinVar:

ClinVar aggregate classification (germline): Uncertain significance. Review status: criteria provided, multiple submitters, no conflicts (2 of 4 stars). 2 submissions from 2 submitters: Uncertain significance (2). Last evaluated 2024-07-30.

Conditions:
Congenital contractural arachnodactyly (CCA). Also called: Beals-Hecht syndrome; Arthrogryposis, distal, type 9; BEALS SYNDROME. Identifiers: Orphanet 115, MedGen C0220668, MONDO:0007363, OMIM 121050.
Familial thoracic aortic aneurysm and aortic dissection (TAAD). Also called: Thoracic aortic aneurysms and dissections. Identifiers: Orphanet 91387, MedGen C4707243, MONDO:0019625.

Allele frequency attached by ClinVar (database versions not stated): TOPMed below 0.00001; gnomAD 0.00001; gnomAD exomes 0.00001; ESP Exome Variant Server 0.00008.
gnomAD v4.1: 6 of 1,613,864 alleles (0.00037%); highest among the groups gnomAD compares: Non-Finnish European, 0.00051%; no homozygotes.

Submissions (2):

Labcorp Genetics (formerly Invitae), Labcorp
Classification: Uncertain significance for Congenital contractural arachnodactyly. Last evaluated: 2024-07-30. Review status: criteria provided, single submitter. Criteria: Invitae Variant Classification Sherloc (09022015). Collection method: clinical testing. Allele origin: germline.
Comment: This sequence change replaces tyrosine, which is neutral and polar, with cysteine, which is neutral and slightly polar, at codon 2047 of the FBN2 protein (p.Tyr2047Cys). This variant is present in population databases (rs368453513, gnomAD 0.007%). This variant has not been reported in the literature in individuals affected with FBN2-related conditions. ClinVar contains an entry for this variant (Variation ID: 1005626). Advanced modeling of protein sequence and biophysical properties (such as structural, functional, and spatial information, amino acid conservation, physicochemical variation, residue mobility, and thermodynamic stability) performed at Invitae indicates that this missense variant is expected to disrupt FBN2 protein function with a positive predictive value of 80%. In summary, the available evidence is currently insufficient to determine the role of this variant in disease. Therefore, it has been classified as a Variant of Uncertain Significance.

Ambry Genetics
Classification: Uncertain significance for Familial thoracic aortic aneurysm and aortic dissection. Last evaluated: 2022-03-21. Review status: criteria provided, single submitter. Criteria: Ambry Variant Classification Scheme 2023. Collection method: clinical testing. Allele origin: germline.
Comment: The p.Y2047C variant (also known as c.6140A>G), located in coding exon 48 of the FBN2 gene, results from an A to G substitution at nucleotide position 6140. The tyrosine at codon 2047 is replaced by cysteine, an amino acid with highly dissimilar properties. This amino acid position is highly conserved in available vertebrate species. In addition, this alteration is predicted to be deleterious by in silico analysis. Since supporting evidence is limited at this time, the clinical significance of this alteration remains unclear.

NM_001999.4(FBN2):c.6140A>G (p.Tyr2047Cys)

Gene: FBN2 (fibrillin 2; minus strand). Cytogenetic location: 5q23.3.
Variant type: single nucleotide variant.
Coding change: c.6140A>G on transcript NM_001999.4 (MANE Select); coding-DNA position 6140, A replaced by G.
Protein change: p.Tyr2047Cys; replaces tyrosine 2047 with cysteine.
Molecular consequence: missense variant.
Genome position (GRCh38, 1-based): chr5:128,300,843, T>C on the plus strand (A>G on the coding strand, the complement: FBN2 is on the minus strand). VCF-style: chr5-128300843-T-C. GRCh37 (hg19) VCF-style: chr5-127636535-T-C.
Other names: short protein forms Y2047C.
Identifiers: ClinVar variation 1005626 (VCV001005626.11), dbSNP rs368453513, ClinGen allele CA127043172.